The following is an entry in ClinVar:

ClinVar aggregate classification (germline): Uncertain significance (1 of 4 stars; one submission).

Allele frequency attached by ClinVar (database versions not stated): gnomAD 0.00006 and 0.00007; TOPMed 0.00013.
gnomAD v4.1: 68 of 1,614,090 alleles (0.0042%); highest among the groups gnomAD compares: Admixed American, 0.11%; 1 homozygote.

Submission:

GeneDx
Classification: Uncertain significance. Last evaluated: 2020-01-20. Review status: criteria provided, single submitter. Criteria: GeneDx Variant Classification Process June 2021. Collection method: clinical testing. Allele origin: germline. Affected: yes.
Comment: In silico analysis, which includes protein predictors and evolutionary conservation, supports a deleterious effect; Has not been previously published as pathogenic or benign to our knowledge

NM_002283.4(KRT85):c.433G>C (p.Glu145Gln)

Gene: KRT85 (keratin 85; minus strand). Cytogenetic location: 12q13.13.
Variant type: single nucleotide variant.
Coding change: c.433G>C on transcript NM_002283.4 (MANE Select); coding-DNA position 433, G replaced by C.
Protein change: p.Glu145Gln; replaces glutamic acid 145 with glutamine.
Molecular consequence: missense variant.
Genome position (GRCh38, 1-based): chr12:52,365,158, C>G on the plus strand (G>C on the coding strand, the complement: KRT85 is on the minus strand). VCF-style: chr12-52365158-C-G. GRCh37 (hg19) VCF-style: chr12-52758942-C-G.
Other names: short protein forms E145Q.
Identifiers: ClinVar variation 1311927 (VCV001311927.2), dbSNP rs759279585, ClinGen allele CA6578287.
Genomic context (GRCh38, chr12:52,365,158, plus strand): 5'-CGCAGCAGCGCTGGTTCTGGTAGAACTGCCACTTGGTCTCCAGCAGCTTGTTCTGCTGCT[C>G]CAGGAAGCGCACCTGCCATTCAGGTGGAAAGAAGAAGTCAGAGGGAGCCTGGGGGGAGGC-3'
Protein context (NP_002274.1, residues 135-155): AAFIDKVRFL[Glu145Gln]QQNKLLETKW